The following is an entry in ClinVar:

ClinVar aggregate classification (germline): Benign/Likely benign. Review status: criteria provided, multiple submitters, no conflicts (2 of 4 stars). 9 submissions from 9 submitters: Benign (4); Likely benign (5). Last evaluated 2026-08-01.

Conditions:
Inborn genetic diseases. Identifiers: MedGen C0950123, MeSH D030342.

Allele frequency attached by ClinVar (database versions not stated): 1000 Genomes Project 0.00080; 1000 Genomes Project 30x 0.00094; ExAC 0.00241; TOPMed 0.00244; gnomAD exomes 0.00251; gnomAD 0.00275 and 0.00284; ESP Exome Variant Server 0.00400.
gnomAD v4.1: 6,408 of 1,614,156 alleles (0.4%); highest among the groups gnomAD compares: Non-Finnish European, 0.5%; 30 homozygotes.

Submissions (9):

CeGaT Center for Human Genetics Tuebingen
Classification: Likely benign. Last evaluated: 2026-08-01. Review status: criteria provided, single submitter. Criteria: CeGaT Center For Human Genetics Tuebingen Variant Classification Criteria Version 2. Collection method: clinical testing. Allele origin: germline. Affected: yes. Observed: 4 variant alleles.
Comment: ETV6: BP4, BS2

Labcorp Genetics (formerly Invitae), Labcorp
Classification: Benign. Last evaluated: 2026-01-28. Review status: criteria provided, single submitter. Criteria: Invitae Variant Classification Sherloc (09022015). Collection method: clinical testing. Allele origin: germline.

Blueprint Genetics
Classification: Likely benign. Last evaluated: 2024-11-21. Review status: criteria provided, single submitter. Criteria: ACMG Guidelines, 2015. Collection method: clinical testing. Allele origin: germline.

ARUP Laboratories, Molecular Genetics and Genomics, ARUP Laboratories
Classification: Benign. Last evaluated: 2024-10-17. Review status: criteria provided, single submitter. Criteria: ARUP Molecular Germline Variant Investigation Process 2024. Collection method: clinical testing. Allele origin: germline.

Ambry Genetics
Classification: Likely benign for Inborn genetic diseases. Last evaluated: 2024-08-21. Review status: criteria provided, single submitter. Criteria: Ambry Variant Classification Scheme 2023. Collection method: clinical testing. Allele origin: germline.

Mayo Clinic Laboratories, Mayo Clinic
Classification: Benign. Last evaluated: 2024-05-15. Review status: criteria provided, single submitter. Criteria: ACMG Guidelines, 2015. Collection method: clinical testing. Allele origin: germline. Observed: 5 variant alleles.
Comment: BS1, BS2, BP4, BP7

GeneDx
Classification: Likely benign. Last evaluated: 2021-10-19. Review status: criteria provided, single submitter. Criteria: GeneDx Variant Classification Process June 2021. Collection method: clinical testing. Allele origin: germline. Affected: yes.

Genetic Services Laboratory, University of Chicago
Classification: Benign. Last evaluated: 2021-03-05. Review status: criteria provided, single submitter. Criteria: ACMG Guidelines, 2015. Collection method: clinical testing. Allele origin: germline. Affected: no.

Breakthrough Genomics
Classification: Likely benign. Review status: criteria provided, single submitter. Criteria: ACMG Guidelines, 2015. Collection method: not provided. Allele origin: germline. Inheritance: Autosomal dominant inheritance. Affected: yes.

Literature cited by the submitters: PubMed 15806161 (cited by Mayo Clinic Laboratories, Mayo Clinic).

NM_001987.5(ETV6):c.1075C>A (p.Arg359=)

Genes: ETV6 (ETS variant transcription factor 6; plus strand), LOC126861452 (CDK7 strongly-dependent group 2 enhancer GRCh37_chr12:12037195-12038394; plus strand). Cytogenetic location: 12p13.2.
Variant type: single nucleotide variant.
Coding change: c.1075C>A on transcript NM_001987.5 (MANE Select); coding-DNA position 1075, C replaced by A.
Protein change: p.Arg359=; no amino-acid change (arginine 359 retained).
Molecular consequence: synonymous variant.
Genome position (GRCh38, 1-based): chr12:11,884,510, C>A. VCF-style: chr12-11884510-C-A. GRCh37 (hg19) VCF-style: chr12-12037444-C-A.
Other names: p.Arg359=.
Identifiers: ClinVar variation 770984 (VCV000770984.45), dbSNP rs141938078, ClinGen allele CA6454397.